The following is an entry in ClinVar:

ClinVar aggregate classification (germline): Uncertain significance (1 of 4 stars; one submission).

Conditions:
Amyotrophic lateral sclerosis type 15. Also called: AMYOTROPHIC LATERAL SCLEROSIS 15 WITH FRONTOTEMPORAL DEMENTIA. Identifiers: Orphanet 803, MedGen C3275459, MONDO:0010459, OMIM 300857.

Allele frequency attached by ClinVar (database versions not stated): TOPMed 0.00002.

Submission:

Labcorp Genetics (formerly Invitae), Labcorp
Classification: Uncertain significance for Amyotrophic lateral sclerosis type 15. Last evaluated: 2025-03-26. Review status: criteria provided, single submitter. Criteria: Invitae Variant Classification Sherloc (09022015). Collection method: clinical testing. Allele origin: germline.
Comment: This sequence change replaces alanine, which is neutral and non-polar, with valine, which is neutral and non-polar, at codon 282 of the UBQLN2 protein (p.Ala282Val). This variant is not present in population databases (gnomAD no frequency). This missense change has been observed in individual(s) with frontotemporal dementia (PMID: 22892309). ClinVar contains an entry for this variant (Variation ID: 2047848). Invitae Evidence Modeling of protein sequence and biophysical properties (such as structural, functional, and spatial information, amino acid conservation, physicochemical variation, residue mobility, and thermodynamic stability) has been performed for this missense variant. However, the output from this modeling did not meet the statistical confidence thresholds required to predict the impact of this variant on UBQLN2 protein function. In summary, the available evidence is currently insufficient to determine the role of this variant in disease. Therefore, it has been classified as a Variant of Uncertain Significance.

Literature cited by the submitters: PubMed 22892309.

NM_013444.4(UBQLN2):c.845C>T (p.Ala282Val)

Gene: UBQLN2 (ubiquilin 2; plus strand). Cytogenetic location: Xp11.21.
Variant type: single nucleotide variant.
Coding change: c.845C>T on transcript NM_013444.4 (MANE Select); coding-DNA position 845, C replaced by T.
Protein change: p.Ala282Val; replaces alanine 282 with valine.
Molecular consequence: missense variant.
Genome position (GRCh38, 1-based): chrX:56,564,718, C>T. VCF-style: chrX-56564718-C-T. GRCh37 (hg19) VCF-style: chrX-56591151-C-T.
Other names: short protein forms A282V.
Identifiers: ClinVar variation 2047848 (VCV002047848.4), dbSNP rs1001930696, ClinGen allele CA330041869.